The following is an entry in ClinVar:

ClinVar aggregate classification (germline): Uncertain significance (1 of 4 stars; one submission).

Conditions:
DNA ligase IV deficiency. Identifiers: Orphanet 99812, MedGen C1847827, MONDO:0011686, OMIM 606593.

Allele frequency attached by ClinVar (database versions not stated): gnomAD 0.00001; TOPMed 0.00001.
gnomAD v4.1: 2 of 1,613,530 alleles (0.00012%); highest among the groups gnomAD compares: African/African-American, 0.0027%; no homozygotes.

Submission:

Labcorp Genetics (formerly Invitae), Labcorp
Classification: Uncertain significance for DNA ligase IV deficiency. Last evaluated: 2022-10-07. Review status: criteria provided, single submitter. Criteria: Invitae Variant Classification Sherloc (09022015). Collection method: clinical testing. Allele origin: germline.
Comment: This sequence change replaces isoleucine, which is neutral and non-polar, with leucine, which is neutral and non-polar, at codon 437 of the LIG4 protein (p.Ile437Leu). This variant is not present in population databases (gnomAD no frequency). This variant has not been reported in the literature in individuals affected with LIG4-related conditions. Advanced modeling of protein sequence and biophysical properties (such as structural, functional, and spatial information, amino acid conservation, physicochemical variation, residue mobility, and thermodynamic stability) performed at Invitae indicates that this missense variant is not expected to disrupt LIG4 protein function. In summary, the available evidence is currently insufficient to determine the role of this variant in disease. Therefore, it has been classified as a Variant of Uncertain Significance.

NM_206937.2(LIG4):c.1309A>C (p.Ile437Leu)

Gene: LIG4 (DNA ligase 4; minus strand). Cytogenetic location: 13q33.3.
Variant type: single nucleotide variant.
Coding change: c.1309A>C on transcript NM_206937.2 (MANE Select); coding-DNA position 1309, A replaced by C.
Protein change: p.Ile437Leu; replaces isoleucine 437 with leucine.
Molecular consequence: missense variant.
Genome position (GRCh38, 1-based): chr13:108,209,960, T>G on the plus strand (A>C on the coding strand, the complement: LIG4 is on the minus strand). VCF-style: chr13-108209960-T-G. GRCh37 (hg19) VCF-style: chr13-108862308-T-G.
Other names: c.1309A>C, p.Ile437Leu (NM_001098268.2, NM_001352598.2, NM_001352599.2 and 6 more transcripts); c.1108A>C, p.Ile370Leu (NM_001330595.2); c.1345A>C, p.Ile449Leu (NM_001352604.2); short protein forms I437L, I370L, I449L.
Identifiers: ClinVar variation 1940065 (VCV001940065.2), dbSNP rs1182427651, ClinGen allele CA388617818.